The following is an entry in ClinVar:

NM_005859.5(PURA):c.416C>T (p.Pro139Leu)

Genes: PURA (purine rich element binding protein A; plus strand), LOC129994826 (ATAC-STARR-seq lymphoblastoid active region 23260; plus strand). Cytogenetic location: 5q31.3.
Variant type: single nucleotide variant.
Coding change: c.416C>T on transcript NM_005859.5 (MANE Select); coding-DNA position 416, C replaced by T.
Protein change: p.Pro139Leu; replaces proline 139 with leucine.
Molecular consequence: missense variant.
Genome position (GRCh38, 1-based): chr5:140,114,597, C>T. VCF-style: chr5-140114597-C-T. GRCh37 (hg19) VCF-style: chr5-139494182-C-T.
Other names: short protein forms P139L.
Identifiers: ClinVar variation 1738404 (VCV001738404.2), dbSNP rs2479505144, ClinGen allele CA361490721.

ClinVar aggregate classification (germline): Uncertain significance (1 of 4 stars; one submission).

Conditions:
Inborn genetic diseases. Identifiers: MedGen C0950123, MeSH D030342.

Submission:

Ambry Genetics
Classification: Uncertain significance for Inborn genetic diseases. Last evaluated: 2017-07-20. Review status: criteria provided, single submitter. Criteria: Ambry Variant Classification Scheme 2023. Collection method: clinical testing. Allele origin: germline.
Comment: The p.P139L variant (also known as c.416C>T), located in coding exon 1 of the PURA gene, results from a C to T substitution at nucleotide position 416. The proline at codon 139 is replaced by leucine, an amino acid with similar properties. This amino acid position is well conserved in available vertebrate species. In addition, this alteration is predicted to be tolerated by in silico analysis. Since supporting evidence is limited at this time, the clinical significance of this alteration remains unclear.